The following is an entry in ClinVar:

NM_003072.5(SMARCA4):c.3702C>T (p.Phe1234=)

Gene: SMARCA4 (SWI/SNF related BAF chromatin remodeling complex subunit ATPase 4; plus strand). Cytogenetic location: 19p13.2.
Variant type: single nucleotide variant.
Coding change: c.3702C>T on transcript NM_003072.5 (MANE Select); coding-DNA position 3702, C replaced by T.
Protein change: p.Phe1234=; no amino-acid change (phenylalanine 1234 retained).
Molecular consequence: synonymous variant. On other transcripts: non-coding transcript variant (1).
Genome position (GRCh38, 1-based): chr19:11,033,445, C>T. VCF-style: chr19-11033445-C-T. GRCh37 (hg19) VCF-style: chr19-11144121-C-T.
Other names: c.3702C>T, p.Phe1234= (NM_001128844.3, NM_001128845.2, NM_001128846.2 and 5 more transcripts).
Identifiers: ClinVar variation 415111 (VCV000415111.18), dbSNP rs751373738, ClinGen allele CA9204487.

ClinVar aggregate classification (germline): Benign/Likely benign. Review status: criteria provided, multiple submitters, no conflicts (2 of 4 stars). 4 submissions from 4 submitters: Benign (1); Likely benign (3). Last evaluated 2026-07-15.

Conditions:
Hereditary cancer-predisposing syndrome. Also called: Hereditary Cancer Syndrome; Hereditary neoplastic syndrome; Neoplastic Syndromes, Hereditary; Tumor predisposition. Identifiers: Orphanet 140162, MedGen C0027672, MeSH D009386, MONDO:0015356.
Rhabdoid tumor predisposition syndrome 2 (RTPS2). Identifiers: Orphanet 231108, Orphanet 69077, MedGen C2750074, MONDO:0013224, OMIM 613325.

Allele frequency attached by ClinVar (database versions not stated): ExAC 0.00001; gnomAD exomes 0.00001.
gnomAD v4.1: 15 of 1,613,370 alleles (0.00093%); highest among the groups gnomAD compares: East Asian, 0.02%; no homozygotes.

Submissions (4):

Myriad Genetics, Inc.
Classification: Benign for Rhabdoid tumor predisposition syndrome 2. Last evaluated: 2026-07-15. Review status: criteria provided, single submitter. Criteria: Myriad Autosomal Dominant, Autosomal Recessive and X-Linked Classification Criteria (2023). Collection method: clinical testing. Allele origin: unknown.
Comment: This variant is considered benign. This variant is a silent/synonymous amino acid change and it is not expected to impact splicing.

Labcorp Genetics (formerly Invitae), Labcorp
Classification: Likely benign for Rhabdoid tumor predisposition syndrome 2. Last evaluated: 2026-01-21. Review status: criteria provided, single submitter. Criteria: Invitae Variant Classification Sherloc (09022015). Collection method: clinical testing. Allele origin: germline.

Sema4
Classification: Likely benign for Hereditary cancer-predisposing syndrome. Last evaluated: 2021-12-23. Review status: criteria provided, single submitter. Criteria: Sema4 Curation Guidelines. Collection method: curation. Allele origin: germline.

Ambry Genetics
Classification: Likely benign for Hereditary cancer-predisposing syndrome. Last evaluated: 2018-04-26. Review status: criteria provided, single submitter. Criteria: Ambry Variant Classification Scheme 2023. Collection method: clinical testing. Allele origin: germline.